The following is an entry in ClinVar:

NM_139137.4(KCNC2):c.1408C>A (p.Pro470Thr)

Gene: KCNC2 (potassium voltage-gated channel subfamily C member 2; minus strand). Cytogenetic location: 12q21.1.
Variant type: single nucleotide variant.
Coding change: c.1408C>A on transcript NM_139137.4 (MANE Select); coding-DNA position 1408, C replaced by A.
Protein change: p.Pro470Thr; replaces proline 470 with threonine.
Molecular consequence: missense variant.
Genome position (GRCh38, 1-based): chr12:75,050,597, G>T on the plus strand (C>A on the coding strand, the complement: KCNC2 is on the minus strand). VCF-style: chr12-75050597-G-T. GRCh37 (hg19) VCF-style: chr12-75444377-G-T.
Other names: c.1408C>A, p.Pro470Thr (NM_001260497.2, NM_001260498.2, NM_001260499.2 and 13 more transcripts); short protein forms P470T.
Identifiers: ClinVar variation 2431912 (VCV002431912.1), dbSNP rs1881066861, ClinGen allele CA385925181.

ClinVar aggregate classification (germline): Uncertain significance (1 of 4 stars; one submission).

Conditions:
Developmental and epileptic encephalopathy 103 (DEE103). Identifiers: MedGen C5677002, MONDO:0030957, OMIM 619913.

Submission:

Laboratorio de Genetica e Diagnostico Molecular, Hospital Israelita Albert Einstein
Classification: Uncertain significance for Developmental and epileptic encephalopathy 103. Last evaluated: 2022-11-12. Review status: criteria provided, single submitter. Criteria: ACMG Guidelines, 2015. Collection method: clinical testing. Allele origin: germline. Affected: yes. Observed: 1 variant allele.
Comment: ACMG classification criteria: PM2 moderated, PP3 supporting